The following is an entry in ClinVar:

ClinVar aggregate classification (germline): Uncertain significance (1 of 4 stars; one submission).

Conditions:
Inborn genetic diseases. Identifiers: MedGen C0950123, MeSH D030342.

Submission:

Ambry Genetics
Classification: Uncertain significance for Inborn genetic diseases. Last evaluated: 2025-12-08. Review status: criteria provided, single submitter. Criteria: Ambry Variant Classification Scheme 2023. Collection method: clinical testing. Allele origin: germline.
Comment: The c.2135T>C (p.M712T) alteration is located in exon 17 (coding exon 17) of the NAA15 gene. This alteration results from a T to C substitution at nucleotide position 2135, causing the methionine (M) at amino acid position 712 to be replaced by a threonine (T). This variant was not reported in population-based cohorts in the Genome Aggregation Database (gnomAD). This amino acid position is not well conserved in available vertebrate species. This alteration is predicted to be tolerated by in silico analysis. Based on insufficient or conflicting evidence, the clinical significance of this alteration remains unclear.

NM_057175.5(NAA15):c.2135T>C (p.Met712Thr)

Gene: NAA15 (N-alpha-acetyltransferase 15, NatA auxiliary subunit; plus strand). Cytogenetic location: 4q31.1.
Variant type: single nucleotide variant.
Coding change: c.2135T>C on transcript NM_057175.5 (MANE Select); coding-DNA position 2135, T replaced by C.
Protein change: p.Met712Thr; replaces methionine 712 with threonine.
Molecular consequence: missense variant.
Genome position (GRCh38, 1-based): chr4:139,378,834, T>C. VCF-style: chr4-139378834-T-C. GRCh37 (hg19) VCF-style: chr4-140299988-T-C.
Other names: c.2135T>C, p.Met712Thr (NM_001410842.1); short protein forms M712T.
Identifiers: ClinVar variation 4625717 (VCV004625717.1).